The following is an entry in ClinVar:

ClinVar aggregate classification (germline): Likely benign (1 of 4 stars; one submission).

gnomAD v4.1: 11 of 1,613,862 alleles (0.00068%); highest among the groups gnomAD compares: East Asian, 0.0022%; no homozygotes.

Submission:

CeGaT Center for Human Genetics Tuebingen
Classification: Likely benign. Last evaluated: 2025-06-01. Review status: criteria provided, single submitter. Criteria: CeGaT Center For Human Genetics Tuebingen Variant Classification Criteria Version 2. Collection method: clinical testing. Allele origin: germline. Affected: yes. Observed: 1 variant allele.
Comment: SALL1: BP4, BS2

NM_002968.3(SALL1):c.235G>A (p.Ala79Thr)

Gene: SALL1 (spalt like transcription factor 1; minus strand). Cytogenetic location: 16q12.1.
Variant type: single nucleotide variant.
Coding change: c.235G>A on transcript NM_002968.3 (MANE Select); coding-DNA position 235, G replaced by A.
Protein change: p.Ala79Thr; replaces alanine 79 with threonine.
Molecular consequence: missense variant. On other transcripts: 5 prime UTR variant (1).
Genome position (GRCh38, 1-based): chr16:51,141,987, C>T on the plus strand (G>A on the coding strand, the complement: SALL1 is on the minus strand). VCF-style: chr16-51141987-C-T. GRCh37 (hg19) VCF-style: chr16-51175898-C-T.
Other names: c.-57G>A (NM_001127892.2); short protein forms A79T.
Identifiers: ClinVar variation 3905483 (VCV003905483.10).